The following is an entry in ClinVar:

NM_018685.5(ANLN):c.2193G>A (p.Gln731=)

Gene: ANLN (anillin, actin binding protein; plus strand). Cytogenetic location: 7p14.2.
Variant type: single nucleotide variant.
Coding change: c.2193G>A on transcript NM_018685.5 (MANE Select); coding-DNA position 2193, G replaced by A.
Protein change: p.Gln731=; no amino-acid change (glutamine 731 retained).
Molecular consequence: synonymous variant.
Genome position (GRCh38, 1-based): chr7:36,421,886, G>A. VCF-style: chr7-36421886-G-A. GRCh37 (hg19) VCF-style: chr7-36461495-G-A.
Other names: p.Gln731=; c.2082G>A, p.Gln694= (NM_001284301.3); c.2079G>A, p.Gln693= (NM_001284302.3).
Identifiers: ClinVar variation 721054 (VCV000721054.40), dbSNP rs138189874, ClinGen allele CA4219806.

ClinVar aggregate classification (germline): Benign. Review status: criteria provided, multiple submitters, no conflicts (2 of 4 stars). 4 submissions from 4 submitters: Benign (3). 1 of the submissions does not count toward it. Last evaluated 2026-01-26.

Allele frequency attached by ClinVar (database versions not stated): gnomAD exomes 0.00108 and 0.00177; ExAC 0.00172; 1000 Genomes Project 0.00300; 1000 Genomes Project 30x 0.00312; ESP Exome Variant Server 0.00400; gnomAD 0.00405 and 0.00435; TOPMed 0.00508.

Submissions (4):

Labcorp Genetics (formerly Invitae), Labcorp
Classification: Benign. Last evaluated: 2026-01-26. Review status: criteria provided, single submitter. Criteria: Invitae Variant Classification Sherloc (09022015). Collection method: clinical testing. Allele origin: germline.

Mayo Clinic Laboratories, Mayo Clinic
Classification: Benign. Last evaluated: 2023-08-14. Review status: criteria provided, single submitter. Criteria: ACMG Guidelines, 2015. Collection method: clinical testing. Allele origin: germline. Observed: 2 variant alleles.
Comment: BS1, BS2, BP4, BP7

CeGaT Center for Human Genetics Tuebingen
Classification: Benign. Last evaluated: 2023-04-01. Review status: criteria provided, single submitter. Criteria: CeGaT Center For Human Genetics Tuebingen Variant Classification Criteria Version 2. Collection method: clinical testing. Allele origin: germline. Affected: yes. Observed: 1 variant allele.
Comment: ANLN: BP4, BP7, BS1, BS2

Genetic Services Laboratory, University of Chicago
Classification: Benign. Last evaluated: 2022-08-22. Review status: no assertion criteria provided. Collection method: clinical testing. Allele origin: germline. Affected: no. Not counted in ClinVar's aggregate classification.